The following is an entry in ClinVar:

ClinVar aggregate classification (germline): Uncertain significance (0 of 4 stars; one submission).

Conditions:
Creatine transporter deficiency (CCDS1). Also called: Creatine Transporter (CRTR) Deficiency; Mental retardation , X-linked with seizures, short stature and midface hypoplasia; Mental retardation , X-linked, with creatine transport deficiency; X-linked creatine transporter deficiency; X-linked creatine deficiency syndrome; SLC6A8-Related Creatine Transporter Deficiency. Identifiers: Orphanet 52503, MedGen C1845862, MONDO:0010305, OMIM 300352.

Submission:

Clinical Genomics Laboratory, Stanford Medicine
Classification: Uncertain significance for Creatine transporter deficiency. Last evaluated: 2019-05-24. Review status: no assertion criteria provided. Collection method: clinical testing. Allele origin: germline. Affected: yes.
Comment: The p.Leu411Ser variant was absent from large population databases, including the Genome Aggregation Database. Computational tools predict that this variant is deleterious; however, the accuracy of in silico algorithms is limited. These data were assessed using the ACMG/AMP variant interpretation guidelines. In summary, the significance of the p.Leu411Ser variant is uncertain. Additional information is needed to resolve the significance of this variant [ACMG evidence codes used: PS2_supporting; PM2; PP3].

NM_005629.4(SLC6A8):c.1232T>C (p.Leu411Ser)

Gene: SLC6A8 (solute carrier family 6 member 8; plus strand). Cytogenetic location: Xq28.
Variant type: single nucleotide variant.
Coding change: c.1232T>C on transcript NM_005629.4 (MANE Select); coding-DNA position 1232, T replaced by C.
Protein change: p.Leu411Ser; replaces leucine 411 with serine.
Molecular consequence: missense variant.
Genome position (GRCh38, 1-based): chrX:153,693,995, T>C. VCF-style: chrX-153693995-T-C. GRCh37 (hg19) VCF-style: chrX-152959450-T-C.
Other names: c.1202T>C, p.Leu401Ser (NM_001142805.2); c.887T>C, p.Leu296Ser (NM_001142806.1); short protein forms L296S, L401S, L411S.
Identifiers: ClinVar variation 976446 (VCV000976446.1), dbSNP rs2091472802, ClinGen allele CA415086584.